The following is an entry in ClinVar:

NM_000166.6(GJB1):c.524dup (p.Asn175fs)

Gene: GJB1 (gap junction protein beta 1; plus strand). Cytogenetic location: Xq13.1.
Variant type: Duplication.
Coding change: c.524dup on transcript NM_000166.6 (MANE Select); coding-DNA position 524, one base duplicated (A; older notation c.524dupA).
Protein change: p.Asn175fs; shifts the reading frame from asparagine 175.
Molecular consequence: frameshift variant.
Genome position (GRCh38, 1-based): chrX:71,224,231, A duplicated; the last of 2 consecutive A bases (chrX:71,224,230-71,224,231); duplicating either gives the same sequence. VCF-style (leftmost placement, unchanged base first): chrX-71224229-C-CA. GRCh37 (hg19) VCF-style: chrX-70444079-C-CA.
Other names: c.524dup, p.Asn175fs (NM_001097642.3); c.524dupA (NM_000166.5); short protein forms N175fs.
Identifiers: ClinVar variation 567945 (VCV000567945.15), dbSNP rs1569215346, ClinGen allele CA891844221.

ClinVar aggregate classification (germline): Pathogenic. Review status: criteria provided, multiple submitters, no conflicts (2 of 4 stars). 5 submissions from 5 submitters: Pathogenic (3). 2 of the submissions do not count toward it. Last evaluated 2025-12-09.

Conditions:
Charcot-Marie-Tooth disease X-linked dominant 1. Also called: X-linked Charcot-Marie-Tooth disease type 1; CHARCOT-MARIE-TOOTH NEUROPATHY, X-LINKED, 1; CHARCOT-MARIE-TOOTH PERONEAL MUSCULAR ATROPHY, X-LINKED; HEREDITARY MOTOR AND SENSORY NEUROPATHY, X-LINKED; HMSN, X-LINKED; Charcot-Marie-Tooth Neuropathy X Type 1. Identifiers: Orphanet 101075, MedGen C0393808, MONDO:0010549, OMIM 302800.
Charcot-Marie-Tooth Neuropathy X. Identifiers: MedGen CN118851.
Charcot-Marie-Tooth disease. Also called: Charcot-Marie-Tooth Neuropathy; Charcot-Marie-Tooth Hereditary Neuropathy. Identifiers: Orphanet 166, MedGen C0007959, MONDO:0015626.

Submissions (5):

GeneDx
Classification: Pathogenic. Last evaluated: 2025-12-09. Review status: criteria provided, single submitter. Criteria: GeneDx Variant Classification Process June 2021. Collection method: clinical testing. Allele origin: germline. Affected: yes.
Comment: Published functional studies have demonstrated that the variant results in impaired protein function (PMID: 7946361); Not observed at significant frequency in large population cohorts (gnomAD); Frameshift variant predicted to result in protein truncation in a gene for which loss of function is a known mechanism of disease; This variant is associated with the following publications: (PMID: 9364054, 10207904, 7946361, 8266101)

Labcorp Genetics (formerly Invitae), Labcorp
Classification: Pathogenic for Charcot-Marie-Tooth Neuropathy X. Last evaluated: 2025-06-25. Review status: criteria provided, single submitter. Criteria: Invitae Variant Classification Sherloc (09022015). Collection method: clinical testing. Allele origin: germline.
Comment: This sequence change creates a premature translational stop signal (p.Asn175Lysfs*68) in the GJB1 gene. While this is not anticipated to result in nonsense mediated decay, it is expected to disrupt the last 109 amino acid(s) of the GJB1 protein. This variant is not present in population databases (gnomAD no frequency). This premature translational stop signal has been observed in individual(s) with X-linked Charcot-Marie-Tooth disease or CMTX (PMID: 8266101). ClinVar contains an entry for this variant (Variation ID: 567945). Algorithms developed to predict the effect of variants on gene product structure and function are not available or were not evaluated for this variant. Experimental studies have shown that this premature translational stop signal affects GJB1 function (PMID: 7946361, 9364054, 10207904). This variant disrupts a region of the GJB1 protein in which other variant(s) (p.Arg220*) have been determined to be pathogenic (PMID: 7477983, 8162049, 9364054, 9592087, 21291455). This suggests that this is a clinically significant region of the protein, and that variants that disrupt it are likely to be disease-causing. For these reasons, this variant has been classified as Pathogenic.

Athena Diagnostics
Classification: Pathogenic. Last evaluated: 2018-03-08. Review status: criteria provided, single submitter. Criteria: Athena Diagnostics Criteria. Collection method: clinical testing. Allele origin: germline.

Inherited Neuropathy Consortium Ii, University Of Miami
Classification: Uncertain significance for Charcot-Marie-Tooth disease X-linked dominant 1. Last evaluated: 2016-01-06. Review status: no assertion criteria provided. Collection method: literature only. Allele origin: germline. Affected: yes. Not counted in ClinVar's aggregate classification.

Inherited Neuropathy Consortium
Classification: Uncertain significance for Charcot-Marie-Tooth disease. Review status: no assertion criteria provided. Collection method: literature only. Allele origin: germline. Affected: yes. Not counted in ClinVar's aggregate classification.

Literature cited by the submitters: PubMed 8266101 (cited by 4 submitters); PubMed 7946361 (cited by Labcorp Genetics (formerly Invitae), Labcorp and Athena Diagnostics); PubMed 9364054 (cited by Labcorp Genetics (formerly Invitae), Labcorp and Athena Diagnostics); PubMed 10207904 (cited by Labcorp Genetics (formerly Invitae), Labcorp); PubMed 7477983 (cited by Labcorp Genetics (formerly Invitae), Labcorp); PubMed 8162049 (cited by Labcorp Genetics (formerly Invitae), Labcorp); PubMed 9592087 (cited by Labcorp Genetics (formerly Invitae), Labcorp); PubMed 21291455 (cited by Labcorp Genetics (formerly Invitae), Labcorp).